The following is an entry in ClinVar:

NC_012920.1(MT-ND5):m.13198G>A

Gene: MT-ND5 (mitochondrially encoded NADH dehydrogenase 5; plus strand).
Variant type: single nucleotide variant.
Genome position: chrM-13198-G-A.
Identifiers: ClinVar variation 693534 (VCV000693534.1), dbSNP rs1603224086, ClinGen allele CA414816906.
Genomic context (GRCh38, chrMT:13,198, plus strand): 5'-GAAAATAGCCCACTAATCCAAACTCTAACACTATGCTTAGGCGCTATCACCACTCTGTTC[G>A]CAGCAGTCTGCGCCCTTACACAAAATGACATCAAAAAAATCGTAGCCTTCTCCACTTCAA-3'

ClinVar aggregate classification (germline): Uncertain significance (1 of 4 stars; one submission).

Conditions:
Leigh syndrome (NULS). Also called: Leigh's necrotizing encephalopathy; Leigh's disease; Leigh Syndrome (mtDNA deletion); Leigh Disease; Subacute necrotizing encephalopathy; Necrotizing encephalopathy infantile subacute of Leigh. Identifiers: Orphanet 506, MedGen C2931891, MONDO:0009723, OMIM 256000.

Submission:

Wong Mito Lab, Molecular and Human Genetics, Baylor College of Medicine
Classification: Uncertain significance for Leigh syndrome. Last evaluated: 2019-10-17. Review status: criteria provided, single submitter. Criteria: Modified ACMG Guidelines (Unpublished). Collection method: clinical testing. Allele origin: germline.
Comment: The NC_012920.1:m.13198G>A (YP_003024036.1:p.Ala288Thr) variant in MTND5 gene is interpretated to be a Uncertain Significance variant based on the modified ACMG guidelines (unpublished). This variant meets the following evidence codes: BP4